The following is an entry in ClinVar:

ClinVar aggregate classification (germline): Uncertain significance (1 of 4 stars; one submission).

gnomAD v4.1: 656 of 1,610,226 alleles (0.041%); highest among the groups gnomAD compares: African/African-American, 0.7%; 1 homozygote.

Submission:

Dasa
Classification: Uncertain significance. Last evaluated: 2026-02-03. Review status: criteria provided, single submitter. Criteria: DASA Assertion Criteria. Collection method: clinical testing. Allele origin: germline.
Comment: NM_207163.3(LMOD2):c.67G>A (p.Ala23Thr) is a missense variant that results in the substitution of alanine with threonine. This variant has been observed in affected individuals with LMOD2-related disorders. Also, this variant is rare in population databases. The currently available literature and clinical evidence are not sufficient to establish a definitive association between this variant and the reported condition. Therefore, this variant is classified as a variant of uncertain significance.

NM_207163.3(LMOD2):c.67G>A (p.Ala23Thr)

Gene: LMOD2 (leiomodin 2; plus strand). Cytogenetic location: 7q31.32.
Variant type: single nucleotide variant.
Coding change: c.67G>A on transcript NM_207163.3 (MANE Select); coding-DNA position 67, G replaced by A.
Protein change: p.Ala23Thr; replaces alanine 23 with threonine.
Molecular consequence: missense variant.
Genome position (GRCh38, 1-based): chr7:123,656,030, G>A. VCF-style: chr7-123656030-G-A. GRCh37 (hg19) VCF-style: chr7-123296084-G-A.
Other names: short protein forms A23T.
Identifiers: ClinVar variation 4885031 (VCV004885031.2).